The following is an entry in ClinVar:

NM_177438.3(DICER1):c.5766C>A (p.Ser1922Arg)

Gene: DICER1 (dicer 1, ribonuclease III; minus strand). Cytogenetic location: 14q32.13.
Variant type: single nucleotide variant.
Coding change: c.5766C>A on transcript NM_177438.3 (MANE Select); coding-DNA position 5766, C replaced by A.
Protein change: p.Ser1922Arg; replaces serine 1922 with arginine.
Molecular consequence: missense variant. On other transcripts: 3 prime UTR variant (1), non-coding transcript variant (4).
Genome position (GRCh38, 1-based): chr14:95,090,501, G>T on the plus strand (C>A on the coding strand, the complement: DICER1 is on the minus strand). VCF-style: chr14-95090501-G-T. GRCh37 (hg19) VCF-style: chr14-95556838-G-T.
Other names: c.*113C>A (NM_001195573.1); c.5766C>A, p.Ser1922Arg (NM_001271282.3, NM_001291628.2, NM_001395677.1 and 8 more transcripts); c.5484C>A, p.Ser1828Arg (NM_001395686.1); c.5361C>A, p.Ser1787Arg (NM_001395687.1, NM_001395688.1, NM_001395689.1 and 1 more transcripts); c.5199C>A, p.Ser1733Arg (NM_001395691.1); c.4083C>A, p.Ser1361Arg (NM_001395697.1); short protein forms S1361R, S1828R, S1787R, S1733R, S1922R.
Identifiers: ClinVar variation 2744432 (VCV002744432.4), dbSNP rs912470196, ClinGen allele CA390862826.

ClinVar aggregate classification (germline): Uncertain significance. Review status: criteria provided, multiple submitters, no conflicts (2 of 4 stars). 2 submissions from 2 submitters: Uncertain significance (2). Last evaluated 2023-10-20.

Conditions:
DICER1-related tumor predisposition. Also called: DICER1 syndrome; DICER1-related pleuropulmonary blastoma cancer predisposition syndrome. Identifiers: Orphanet 284343, MedGen C3839822, MONDO:0100216.
Hereditary cancer-predisposing syndrome. Also called: Hereditary Cancer Syndrome; Tumor predisposition; Hereditary neoplastic syndrome; Neoplastic Syndromes, Hereditary. Identifiers: Orphanet 140162, MedGen C0027672, MeSH D009386, MONDO:0015356.

Submissions (2):

Ambry Genetics
Classification: Uncertain significance for Hereditary cancer-predisposing syndrome. Last evaluated: 2023-10-20. Review status: criteria provided, single submitter. Criteria: Ambry Variant Classification Scheme 2023. Collection method: clinical testing. Allele origin: germline.
Comment: The p.S1922R variant (also known as c.5766C>A), located in coding exon 26 of the DICER1 gene, results from a C to A substitution at nucleotide position 5766. The serine at codon 1922 is replaced by arginine, an amino acid with dissimilar properties. This amino acid position is well conserved in available vertebrate species. In addition, the in silico prediction for this alteration is inconclusive. Since supporting evidence is limited at this time, the clinical significance of this alteration remains unclear.

Labcorp Genetics (formerly Invitae), Labcorp
Classification: Uncertain significance for DICER1-related tumor predisposition. Last evaluated: 2023-07-17. Review status: criteria provided, single submitter. Criteria: Invitae Variant Classification Sherloc (09022015). Collection method: clinical testing. Allele origin: germline.
Comment: This sequence change replaces serine, which is neutral and polar, with arginine, which is basic and polar, at codon 1922 of the DICER1 protein (p.Ser1922Arg). This variant is not present in population databases (gnomAD no frequency). In summary, the available evidence is currently insufficient to determine the role of this variant in disease. Therefore, it has been classified as a Variant of Uncertain Significance. An algorithm developed to predict the effect of missense changes on protein structure and function (PolyPhen-2) suggests that this variant is likely to be tolerated. This variant has not been reported in the literature in individuals affected with DICER1-related conditions.